The following is an entry in ClinVar:

NM_000639.3(FASLG):c.395-15C>G

Gene: FASLG (Fas ligand; plus strand). Cytogenetic location: 1q24.3.
Variant type: single nucleotide variant.
Coding change: c.395-15C>G on transcript NM_000639.3 (MANE Select); 15 bases into the intron before coding-DNA position 395, C replaced by G.
Molecular consequence: intron variant.
Genome position (GRCh38, 1-based): chr1:172,664,319, C>G. VCF-style: chr1-172664319-C-G. GRCh37 (hg19) VCF-style: chr1-172633459-C-G.
Other names: c.349-15C>G (NM_001302746.2).
Identifiers: ClinVar variation 293737 (VCV000293737.13), dbSNP rs370579312, ClinGen allele CA1247551.

ClinVar aggregate classification (germline): Benign/Likely benign. Review status: criteria provided, multiple submitters, no conflicts (2 of 4 stars). 3 submissions from 3 submitters: Benign (1); Likely benign (2). Last evaluated 2025-12-15.

Conditions:
Autoimmune lymphoproliferative syndrome type 1. Also called: AUTOIMMUNE LYMPHOPROLIFERATIVE SYNDROME, TYPE I, AUTOSOMAL DOMINANT. Identifiers: Orphanet 3261, MedGen C2717884, MONDO:0011158, OMIM 601859.

Allele frequency attached by ClinVar (database versions not stated): ESP Exome Variant Server 0.00023; gnomAD 0.00032 and 0.00038; TOPMed 0.00048.
gnomAD v4.1: 89 of 1,612,986 alleles (0.0055%); highest among the groups gnomAD compares: African/African-American, 0.095%; no homozygotes.

Submissions (3):

Labcorp Genetics (formerly Invitae), Labcorp
Classification: Likely benign for Autoimmune lymphoproliferative syndrome. Last evaluated: 2025-12-15. Review status: criteria provided, single submitter. Criteria: Invitae Variant Classification Sherloc (09022015). Collection method: clinical testing. Allele origin: germline.

Blueprint Genetics
Classification: Likely benign. Last evaluated: 2023-03-06. Review status: criteria provided, single submitter. Criteria: ACMG Guidelines, 2015. Collection method: clinical testing. Allele origin: germline.

Illumina Laboratory Services, Illumina
Classification: Benign for Autoimmune lymphoproliferative syndrome type 1. Last evaluated: 2018-01-12. Review status: criteria provided, single submitter. Criteria: ICSL Variant Classification Criteria 13 December 2019. Collection method: clinical testing. Allele origin: germline.
Comment: This variant was observed in the ICSL laboratory as part of a predisposition screen in an ostensibly healthy population. It had not been previously curated by ICSL or reported in the Human Gene Mutation Database (HGMD: prior to June 1st, 2018), and was therefore a candidate for classification through an automated scoring system. Utilizing variant allele frequency, disease prevalence and penetrance estimates, and inheritance mode, an automated score was calculated to assess if this variant is too frequent to cause the disease. Based on the score and internal cut-off values, a variant classified as benign is not then subjected to further curation. The score for this variant resulted in a classification of benign for this disease.